The following is an entry in ClinVar:

ClinVar aggregate classification (germline): Uncertain significance. Review status: criteria provided, multiple submitters, no conflicts (2 of 4 stars). 2 submissions from 2 submitters: Uncertain significance (2). Last evaluated 2022-03-08.

Conditions:
Inborn genetic diseases. Identifiers: MedGen C0950123, MeSH D030342.

Allele frequency attached by ClinVar (database versions not stated): ExAC 0.00006; TOPMed 0.00006; gnomAD 0.00007; 1000 Genomes Project 0.00040; 1000 Genomes Project 30x 0.00062.
gnomAD v4.1: 51 of 1,614,146 alleles (0.0032%); highest among the groups gnomAD compares: Admixed American, 0.06%; no homozygotes.

Submissions (2):

GeneDx
Classification: Uncertain significance. Last evaluated: 2022-03-08. Review status: criteria provided, single submitter. Criteria: GeneDx Variant Classification Process June 2021. Collection method: clinical testing. Allele origin: germline. Affected: yes.
Comment: In silico analysis supports that this missense variant does not alter protein structure/function; Has not been previously published as pathogenic or benign to our knowledge

Ambry Genetics
Classification: Uncertain significance for Inborn genetic diseases. Last evaluated: 2021-10-12. Review status: criteria provided, single submitter. Criteria: Ambry Variant Classification Scheme 2023. Collection method: clinical testing. Allele origin: germline.

NM_006618.5(KDM5B):c.4578G>C (p.Glu1526Asp)

Gene: KDM5B (lysine demethylase 5B; minus strand). Cytogenetic location: 1q32.1.
Variant type: single nucleotide variant.
Coding change: c.4578G>C on transcript NM_006618.5 (MANE Select); coding-DNA position 4578, G replaced by C.
Protein change: p.Glu1526Asp; replaces glutamic acid 1526 with aspartic acid.
Molecular consequence: missense variant.
Genome position (GRCh38, 1-based): chr1:202,729,093, C>G on the plus strand (G>C on the coding strand, the complement: KDM5B is on the minus strand). VCF-style: chr1-202729093-C-G. GRCh37 (hg19) VCF-style: chr1-202698221-C-G.
Other names: c.4686G>C, p.Glu1562Asp (NM_001314042.2); c.4443G>C, p.Glu1481Asp (NM_001347591.2); c.4563G>C, p.Glu1521Asp (NM_001399817.1); short protein forms E1481D, E1521D, E1526D, E1562D.
Identifiers: ClinVar variation 1704679 (VCV001704679.5), dbSNP rs556320379, ClinGen allele CA1333924.